The following is an entry in ClinVar:

NM_000540.3(RYR1):c.14912C>T (p.Thr4971Met)

Gene: RYR1 (ryanodine receptor 1; plus strand). Cytogenetic location: 19q13.2.
Variant type: single nucleotide variant.
Coding change: c.14912C>T on transcript NM_000540.3 (MANE Select); coding-DNA position 14912, C replaced by T.
Protein change: p.Thr4971Met; replaces threonine 4971 with methionine.
Molecular consequence: missense variant.
Genome position (GRCh38, 1-based): chr19:38,586,134, C>T. VCF-style: chr19-38586134-C-T. GRCh37 (hg19) VCF-style: chr19-39076774-C-T.
Other names: c.14897C>T, p.Thr4966Met (NM_001042723.2); c.14912C>T (NM_000540.2); short protein forms T4966M, T4971M.
Identifiers: ClinVar variation 1376950 (VCV001376950.40), dbSNP rs779835717, ClinGen allele CA061796.
Genomic context (GRCh38, chr19:38,586,134, plus strand): 5'-TCTCTTGCCACTCACAGACCAAGTGCTTCATCTGTGGAATCGGCAGTGACTACTTTGATA[C>T]GACACCGCATGGCTTCGAGACTCACACGCTGGAGGAGCACAACCTGGCCAATTACATGTG-3'
Protein context (NP_000531.2, residues 4961-4981): ICGIGSDYFD[Thr4971Met]TPHGFETHTL

ClinVar aggregate classification (germline): Uncertain significance. Review status: criteria provided, multiple submitters, no conflicts (2 of 4 stars). 6 submissions from 6 submitters: Uncertain significance (6). Last evaluated 2025-05-02.

Conditions:
RYR1-related disorder. Also called: RYR1-related condition; RYR1-related disorders. Identifiers: MedGen CN239331.
Malignant hyperthermia, susceptibility to, 1 (MHS1). Also called: RYR1-Related Malignant Hyperthermia Susceptibility; Anesthesia related hyperthermia; Malignant hyperpyrexia; Fulminating hyperpyrexia; Pharmacogenic myopathy; Malignant hyperthermia suceptibility 1. Identifiers: Orphanet 423, MedGen C2930980, MONDO:0007783, OMIM 145600.

Allele frequency attached by ClinVar (database versions not stated): gnomAD exomes 0.00001 and 0.00004; TOPMed 0.00002; gnomAD 0.00003 and 0.00004; ExAC 0.00004.
gnomAD v4.1: 26 of 1,613,946 alleles (0.0016%); highest among the groups gnomAD compares: South Asian, 0.0033%; no homozygotes.

Submissions (6):

PreventionGenetics, part of Exact Sciences
Classification: Uncertain significance for RYR1-related condition. Last evaluated: 2025-05-02. Review status: criteria provided, single submitter. Criteria: ACMG Guidelines, 2015. Collection method: clinical testing. Allele origin: germline.
Comment: The RYR1 c.14912C>T variant is predicted to result in the amino acid substitution p.Thr4971Met. To our knowledge, this variant has not been reported in the literature. This variant is reported in 0.0093% of alleles in individuals of European (Non-Finnish) descent in gnomAD. At this time, the clinical significance of this variant is uncertain due to the absence of conclusive functional and genetic evidence.

All of Us Research Program, National Institutes of Health
Classification: Uncertain significance for Malignant hyperthermia, susceptibility to, 1. Last evaluated: 2024-07-29. Review status: criteria provided, single submitter. Criteria: ACMG Guidelines, 2015. Collection method: clinical testing. Allele origin: germline. Inheritance: Autosomal dominant inheritance. Observed: 8 variant alleles, 8 heterozygotes.
Comment: This missense variant replaces threonine with methionine at codon 4971 of the RYR1 protein. Computational prediction is inconclusive regarding the impact of this variant on protein structure and function (internally defined REVEL score threshold 0.5 < inconclusive < 0.7, PMID: 27666373). To our knowledge, functional studies have not been reported for this variant. This variant has not been reported in individuals affected with RYR1-related disorders in the literature. This variant has been identified in 13/282780 chromosomes in the general population by the Genome Aggregation Database (gnomAD). The available evidence is insufficient to determine the role of this variant in disease conclusively. Therefore, this variant is classified as a Variant of Uncertain Significance.

This study involves interpretation of variants in research participants for the purpose of population health screening. Participant phenotype was not available at the time of variant classification. Additional details can be found in publication PMID: 35346344, PMCID: PMC8962531

Color Diagnostics, LLC DBA Color Health
Classification: Uncertain significance for Malignant hyperthermia, susceptibility to, 1. Last evaluated: 2024-03-06. Review status: criteria provided, single submitter. Criteria: ACMG Guidelines, 2015. Collection method: clinical testing. Allele origin: germline.
Comment: This missense variant replaces threonine with methionine at codon 4971 of the RYR1 protein. Computational prediction is inconclusive regarding the impact of this variant on protein structure and function. To our knowledge, functional studies have not been reported for this variant. This variant has not been reported in individuals affected with RYR1-related disorders in the literature. This variant has been identified in 13/282780 chromosomes in the general population by the Genome Aggregation Database (gnomAD). The available evidence is insufficient to determine the role of this variant in disease conclusively. Therefore, this variant is classified as a Variant of Uncertain Significance.

Labcorp Genetics (formerly Invitae), Labcorp
Classification: Uncertain significance for RYR1-related disorder. Last evaluated: 2024-02-24. Review status: criteria provided, single submitter. Criteria: Invitae Variant Classification Sherloc (09022015). Collection method: clinical testing. Allele origin: germline.
Comment: This sequence change replaces threonine, which is neutral and polar, with methionine, which is neutral and non-polar, at codon 4971 of the RYR1 protein (p.Thr4971Met). This variant is present in population databases (rs779835717, gnomAD 0.009%). This variant has not been reported in the literature in individuals affected with RYR1-related conditions. ClinVar contains an entry for this variant (Variation ID: 1376950). Advanced modeling of protein sequence and biophysical properties (such as structural, functional, and spatial information, amino acid conservation, physicochemical variation, residue mobility, and thermodynamic stability) has been performed at Invitae for this missense variant, however the output from this modeling did not meet the statistical confidence thresholds required to predict the impact of this variant on RYR1 protein function. In summary, the available evidence is currently insufficient to determine the role of this variant in disease. Therefore, it has been classified as a Variant of Uncertain Significance.

CeGaT Center for Human Genetics Tuebingen
Classification: Uncertain significance. Last evaluated: 2022-08-01. Review status: criteria provided, single submitter. Criteria: CeGaT Center For Human Genetics Tuebingen Variant Classification Criteria Version 2. Collection method: clinical testing. Allele origin: germline. Affected: yes. Observed: 1 variant allele.

Institute for Medical Genetics and Human Genetics, Charité - Universitätsmedizin Berlin
Classification: Uncertain significance. Review status: criteria provided, single submitter. Criteria: ACMG Guidelines, 2015. Collection method: not provided. Allele origin: germline. Inheritance: Autosomal dominant inheritance. Affected: yes.